The following is an entry in ClinVar:

NM_000245.4(MET):c.3633-11C>T

Gene: MET (MET proto-oncogene, receptor tyrosine kinase; plus strand). Cytogenetic location: 7q31.2.
Variant type: single nucleotide variant.
Coding change: c.3633-11C>T on transcript NM_000245.4 (MANE Select); 11 bases into the intron before coding-DNA position 3633, C replaced by T.
Molecular consequence: intron variant.
Genome position (GRCh38, 1-based): chr7:116,783,293, C>T. VCF-style: chr7-116783293-C-T. GRCh37 (hg19) VCF-style: chr7-116423347-C-T.
Other names: c.3687-11C>T (NM_001127500.3); c.2343-11C>T (NM_001324402.2).
Identifiers: ClinVar variation 1628000 (VCV001628000.9), dbSNP rs1424157003, ClinGen allele CA577218047.

ClinVar aggregate classification (germline): Likely benign. Review status: criteria provided, multiple submitters, no conflicts (2 of 4 stars). 2 submissions from 2 submitters: Likely benign (2). Last evaluated 2024-11-13.

Conditions:
Renal cell carcinoma. Identifiers: Orphanet 217071, MedGen C0007134, MeSH D002292, MONDO:0005086, HP:0005584.
Papillary renal cell carcinoma type 1 (RCCP1). Also called: RENAL CELL CARCINOMA, PAPILLARY, 1, SOMATIC; Renal adenocarcinoma; Renal cell carcinoma 1; Renal cell carcinoma, somatic. Identifiers: Orphanet 47044, MedGen C1336839, OMIM 605074, HP:0011797.

Allele frequency attached by ClinVar (database versions not stated): gnomAD exomes below 0.00001; gnomAD 0.00001.
gnomAD v4.1: 6 of 1,613,906 alleles (0.00037%); highest among the groups gnomAD compares: Middle Eastern, 0.033%; no homozygotes.

Submissions (2):

Myriad Genetics, Inc.
Classification: Likely benign for Papillary renal cell carcinoma type 1. Last evaluated: 2024-11-13. Review status: criteria provided, single submitter. Criteria: Myriad Autosomal Dominant, Autosomal Recessive and X-Linked Classification Criteria (2023). Collection method: clinical testing. Allele origin: unknown.
Comment: This variant is considered likely benign. This variant is intronic and is not expected to impact mRNA splicing.

Labcorp Genetics (formerly Invitae), Labcorp
Classification: Likely benign for Renal cell carcinoma. Last evaluated: 2023-02-14. Review status: criteria provided, single submitter. Criteria: Invitae Variant Classification Sherloc (09022015). Collection method: clinical testing. Allele origin: germline.